The following is an entry in ClinVar:

NM_001318852.2(MAPK8IP3):c.1291C>T (p.Leu431Phe)

Gene: MAPK8IP3 (mitogen-activated protein kinase 8 interacting protein 3; plus strand). Cytogenetic location: 16p13.3.
Variant type: single nucleotide variant.
Coding change: c.1291C>T on transcript NM_001318852.2 (MANE Select); coding-DNA position 1291, C replaced by T.
Protein change: p.Leu431Phe; replaces leucine 431 with phenylalanine.
Molecular consequence: missense variant.
Genome position (GRCh38, 1-based): chr16:1,760,002, C>T. VCF-style: chr16-1760002-C-T. GRCh37 (hg19) VCF-style: chr16-1810003-C-T.
Other names: c.1270C>T, p.Leu424Phe (NM_001040439.2); c.1288C>T, p.Leu430Phe (NM_015133.5); short protein forms L430F, L424F, L431F.
Identifiers: ClinVar variation 560257 (VCV000560257.3), dbSNP rs1567198234, ClinGen allele CA394231129.

ClinVar aggregate classification (germline): Uncertain significance (1 of 4 stars; one submission).

Submission:

Geisinger Autism and Developmental Medicine Institute, Geisinger Health System
Classification: Uncertain significance. Last evaluated: 2018-03-06. Review status: criteria provided, single submitter. Criteria: ACMG Guidelines, 2015. Collection method: provider interpretation, clinical testing. Allele origin: unknown. Observed: 1 variant allele.
Comment: The variant is absent from the gnomAD database and computational models predict the variant to be damaging. This is a gene of uncertain significance; no known human disorders have been clearly associated with this gene.